The following is an entry in ClinVar:

NM_000360.4(TH):c.267G>A (p.Arg89=)

Gene: TH (tyrosine hydroxylase; minus strand). Cytogenetic location: 11p15.5.
Variant type: single nucleotide variant.
Coding change: c.267G>A on transcript NM_000360.4 (MANE Select); coding-DNA position 267, G replaced by A.
Protein change: p.Arg89=; no amino-acid change (arginine 89 retained).
Molecular consequence: synonymous variant.
Genome position (GRCh38, 1-based): chr11:2,169,695, C>T on the plus strand (G>A on the coding strand, the complement: TH is on the minus strand). VCF-style: chr11-2169695-C-T. GRCh37 (hg19) VCF-style: chr11-2190925-C-T.
Other names: p.Arg120=; c.360G>A, p.Arg120= (NM_199292.3); c.348G>A, p.Arg116= (NM_199293.3).
Identifiers: ClinVar variation 263254 (VCV000263254.29), dbSNP rs76240471, ClinGen allele CA5818744.

ClinVar aggregate classification (germline): Benign/Likely benign. Review status: criteria provided, multiple submitters, no conflicts (2 of 4 stars). 12 submissions from 12 submitters: Benign (6); Likely benign (3). 3 of the submissions do not count toward it. Last evaluated 2026-02-03.

Conditions:
TH-deficient dopa-responsive dystonia. Also called: DYT-TH; Segawa syndrome, autosomal recessive; Tyrosine Hydroxylase-Deficient Dopa-Responsive Dystonia. Identifiers: Orphanet 101150, MedGen C2673535, MONDO:0011551, OMIM 605407.

Allele frequency attached by ClinVar (database versions not stated): gnomAD 0.00521 and 0.00359; 1000 Genomes Project 0.01617; ESP Exome Variant Server 0.00385; TOPMed 0.00504; ExAC 0.01020; gnomAD exomes 0.00947 and 0.00641; 1000 Genomes Project 30x 0.01562.
gnomAD v4.1: 10,383 of 1,613,418 alleles (0.64%); highest among the groups gnomAD compares: Middle Eastern, 6.1%; 181 homozygotes.

Submissions (12):

Labcorp Genetics (formerly Invitae), Labcorp
Classification: Benign for TH-deficient dopa-responsive dystonia. Last evaluated: 2026-02-03. Review status: criteria provided, single submitter. Criteria: Invitae Variant Classification Sherloc (09022015). Collection method: clinical testing. Allele origin: germline.

Mayo Clinic Laboratories, Mayo Clinic
Classification: Benign. Last evaluated: 2023-08-16. Review status: criteria provided, single submitter. Criteria: ACMG Guidelines, 2015. Collection method: clinical testing. Allele origin: germline. Observed: 7 variant alleles.
Comment: BS1, BS2, BP4, BP7

Genome-Nilou Lab
Classification: Benign for TH-deficient dopa-responsive dystonia. Last evaluated: 2021-07-10. Review status: criteria provided, single submitter. Criteria: ACMG Guidelines, 2015. Collection method: clinical testing. Allele origin: germline. Affected: no.

GeneDx
Classification: Benign. Last evaluated: 2018-04-20. Review status: criteria provided, single submitter. Criteria: GeneDx Variant Classification (06012015). Collection method: clinical testing. Allele origin: germline. Affected: yes.
Comment: This variant is considered likely benign or benign based on one or more of the following criteria: it is a conservative change, it occurs at a poorly conserved position in the protein, it is predicted to be benign by multiple in silico algorithms, and/or has population frequency not consistent with disease.

Illumina Laboratory Services, Illumina
Classification: Benign for TH-deficient dopa-responsive dystonia. Last evaluated: 2018-01-13. Review status: criteria provided, single submitter. Criteria: ICSL Variant Classification Criteria 13 December 2019. Collection method: clinical testing. Allele origin: germline.
Comment: This variant was observed in the ICSL laboratory as part of a predisposition screen in an ostensibly healthy population. It had not been previously curated by ICSL or reported in the Human Gene Mutation Database (HGMD: prior to June 1st, 2018), and was therefore a candidate for classification through an automated scoring system. Utilizing variant allele frequency, disease prevalence and penetrance estimates, and inheritance mode, an automated score was calculated to assess if this variant is too frequent to cause the disease. Based on the score and internal cut-off values, a variant classified as benign is not then subjected to further curation. The score for this variant resulted in a classification of benign for this disease.

Eurofins Ntd Llc (ga)
Classification: Benign. Last evaluated: 2015-12-22. Review status: criteria provided, single submitter. Criteria: EGL Classification Definitions 2015. Collection method: clinical testing. Allele origin: germline. Observed: 1 variant allele, 1 heterozygote.

Clinical Genetics DNA and cytogenetics Diagnostics Lab, Erasmus MC, Erasmus Medical Center
Classification: Likely benign for TH-deficient dopa-responsive dystonia. Last evaluated: 2015-09-21. Review status: criteria provided, single submitter. Criteria: ACGS Guidelines, 2013. Collection method: clinical testing. Allele origin: germline. Affected: yes. Study: VKGL Data-share Consensus.

Breakthrough Genomics
Classification: Likely benign. Review status: criteria provided, single submitter. Criteria: ACMG Guidelines, 2015. Collection method: not provided. Allele origin: germline. Inheritance: Autosomal recessive inheritance. Affected: yes.

PreventionGenetics, part of Exact Sciences
Classification: Likely benign. Review status: criteria provided, single submitter. Criteria: ACMG Guidelines, 2015. Collection method: clinical testing. Allele origin: germline.

Natera, Inc.
Classification: Benign for Autosomal recessive Segawa syndrome. Last evaluated: 2020-09-16. Review status: no assertion criteria provided. Collection method: clinical testing. Allele origin: germline. Not counted in ClinVar's aggregate classification.

Genome Diagnostics Laboratory, Amsterdam University Medical Center
Classification: Likely benign for TH-deficient dopa-responsive dystonia. Last evaluated: 2016-11-04. Review status: no assertion criteria provided. Criteria: ACGS Guidelines, 2013. Collection method: clinical testing. Allele origin: germline. Affected: yes. Study: VKGL Data-share Consensus. Not counted in ClinVar's aggregate classification.

Diagnostic Laboratory, Department of Genetics, University Medical Center Groningen
Classification: Likely benign for TH-deficient dopa-responsive dystonia. Review status: no assertion criteria provided. Collection method: clinical testing. Allele origin: germline. Affected: yes. Study: VKGL Data-share Consensus. Not counted in ClinVar's aggregate classification.